The following is an entry in ClinVar:

ClinVar aggregate classification (germline): Uncertain significance. Review status: criteria provided, multiple submitters, no conflicts (2 of 4 stars). 2 submissions from 2 submitters: Uncertain significance (2). Last evaluated 2025-09-04.

gnomAD v4.1: 3 of 1,606,568 alleles (0.00019%); highest among the groups gnomAD compares: Non-Finnish European, 0.00025%; no homozygotes.

Submissions (2):

Labcorp Genetics (formerly Invitae), Labcorp
Classification: Uncertain significance. Last evaluated: 2025-09-04. Review status: criteria provided, single submitter. Criteria: Invitae Variant Classification Sherloc (09022015). Collection method: clinical testing. Allele origin: germline.
Comment: This sequence change replaces glutamine, which is neutral and polar, with proline, which is neutral and non-polar, at codon 230 of the GATA5 protein (p.Gln230Pro). This variant is present in population databases (no rsID available, gnomAD 0.001%). This variant has not been reported in the literature in individuals affected with GATA5-related conditions. ClinVar contains an entry for this variant (Variation ID: 3853049). Invitae Evidence Modeling of protein sequence and biophysical properties (such as structural, functional, and spatial information, amino acid conservation, physicochemical variation, residue mobility, and thermodynamic stability) indicates that this missense variant is not expected to disrupt GATA5 protein function with a negative predictive value of 80%. In summary, the available evidence is currently insufficient to determine the role of this variant in disease. Therefore, it has been classified as a Variant of Uncertain Significance.

Ambry Genetics
Classification: Uncertain significance. Last evaluated: 2025-02-26. Review status: criteria provided, single submitter. Criteria: Ambry Variant Classification Scheme 2023. Collection method: clinical testing. Allele origin: germline.

NM_080473.5(GATA5):c.689A>C (p.Gln230Pro)

Gene: GATA5 (GATA binding protein 5; minus strand). Cytogenetic location: 20q13.33.
Variant type: single nucleotide variant.
Coding change: c.689A>C on transcript NM_080473.5 (MANE Select); coding-DNA position 689, A replaced by C.
Protein change: p.Gln230Pro; replaces glutamine 230 with proline.
Molecular consequence: missense variant.
Genome position (GRCh38, 1-based): chr20:62,473,413, T>G on the plus strand (A>C on the coding strand, the complement: GATA5 is on the minus strand). VCF-style: chr20-62473413-T-G. GRCh37 (hg19) VCF-style: chr20-61048469-T-G.
Other names: short protein forms Q230P.
Identifiers: ClinVar variation 3853049 (VCV003853049.2).